The following is an entry in ClinVar:

NM_139125.4(MASP1):c.500C>T (p.Ser167Phe)

Gene: MASP1 (MBL associated serine protease 1; minus strand). Cytogenetic location: 3q27.3.
Variant type: single nucleotide variant.
Coding change: c.500C>T on transcript NM_139125.4 (MANE Select); coding-DNA position 500, C replaced by T.
Protein change: p.Ser167Phe; replaces serine 167 with phenylalanine.
Molecular consequence: missense variant. On other transcripts: non-coding transcript variant (1).
Genome position (GRCh38, 1-based): chr3:187,260,788, G>A on the plus strand (C>T on the coding strand, the complement: MASP1 is on the minus strand). VCF-style: chr3-187260788-G-A. GRCh37 (hg19) VCF-style: chr3-186978576-G-A.
Other names: c.500C>T, p.Ser167Phe (NM_001031849.3, NM_001879.6); short protein forms S167F.
Identifiers: ClinVar variation 5017624 (VCV005017624.1).
Genomic context (GRCh38, chr3:187,260,788, plus strand): 5'-TGGTAGGCTCTACCTCGGCAGGTCCTGTTGTCTGTGTGGAGGATGTAGCCGAAGCGGCAG[G>A]AGCAGTAGTAGCCGCCAATGTAGTTGTGGCAGTAGTGGTCACAGGACAGCTCCTCGTCCT-3'
Protein context (NP_624302.1, residues 157-177): CHNYIGGYYC[Ser167Phe]CRFGYILHTD

ClinVar aggregate classification (germline): Uncertain significance (1 of 4 stars; one submission).

gnomAD v4.1: 1 of 1,614,084 alleles (0.000062%); no homozygotes.

Submission:

GeneDx
Classification: Uncertain significance. Last evaluated: 2026-03-26. Review status: criteria provided, single submitter. Criteria: GeneDx Variant Classification Process June 2021. Collection method: clinical testing. Allele origin: germline.
Comment: In silico analysis supports that this missense variant has a deleterious effect on protein structure/function; Has not been previously published as pathogenic or benign to our knowledge